The following is an entry in ClinVar:

NM_004655.4(AXIN2):c.284del (p.Phe95fs)

Gene: AXIN2 (axin 2; minus strand). Cytogenetic location: 17q24.1.
Variant type: Deletion.
Coding change: c.284del on transcript NM_004655.4 (MANE Select); coding-DNA position 284, one base deleted (T; older notation c.284delT).
Protein change: p.Phe95fs; shifts the reading frame from phenylalanine 95.
Molecular consequence: frameshift variant.
Genome position (GRCh38, 1-based): chr17:65,558,337, A deleted on the plus strand (T on the coding strand, the reverse complement: AXIN2 is on the minus strand); the first of 2 consecutive A bases (chr17:65,558,337-65,558,338); deleting either gives the same sequence. VCF-style (leftmost placement, unchanged base first): chr17-65558336-GA-G. GRCh37 (hg19) VCF-style: chr17-63554454-GA-G.
Other names: c.284delT (NM_004655.3); c.284del, p.Phe95fs (NM_001363813.1); short protein forms F95fs.
Identifiers: ClinVar variation 2583674 (VCV002583674.3), dbSNP rs2544252847, ClinGen allele CA2582342303.

ClinVar aggregate classification (germline): Pathogenic. Review status: criteria provided, multiple submitters, no conflicts (2 of 4 stars). 2 submissions from 2 submitters: Pathogenic (2). Last evaluated 2024-08-23.

Conditions:
Hereditary cancer-predisposing syndrome. Also called: Tumor predisposition; Hereditary neoplastic syndrome; Neoplastic Syndromes, Hereditary; Hereditary Cancer Syndrome. Identifiers: Orphanet 140162, MedGen C0027672, MeSH D009386, MONDO:0015356.
Oligodontia-cancer predisposition syndrome. Also called: TOOTH AGENESIS-COLORECTAL CANCER SYNDROME. Identifiers: Orphanet 300576, MedGen C1837750, MONDO:0012075, OMIM 608615. Disease mechanism: loss of function.

Submissions (2):

Ambry Genetics
Classification: Pathogenic for Hereditary cancer-predisposing syndrome. Last evaluated: 2024-08-23. Review status: criteria provided, single submitter. Criteria: Ambry Variant Classification Scheme 2023. Collection method: clinical testing. Allele origin: germline.
Comment: The c.284delT variant, located in coding exon 1 of the AXIN2 gene, results from a deletion of one nucleotide at nucleotide position 284, causing a translational frameshift with a predicted alternate stop codon (p.F95Sfs*14). This variant is considered to be rare based on population cohorts in the Genome Aggregation Database (gnomAD). This alteration is expected to result in loss of function by premature protein truncation or nonsense-mediated mRNA decay. As such, this alteration is interpreted as a disease-causing mutation.

Myriad Genetics, Inc.
Classification: Pathogenic for Oligodontia-cancer predisposition syndrome. Last evaluated: 2023-05-17. Review status: criteria provided, single submitter. Criteria: Myriad Autosomal Dominant, Autosomal Recessive and X-Linked Classification Criteria (2023). Collection method: clinical testing. Allele origin: unknown.
Comment: This variant is considered pathogenic. This variant creates a frameshift predicted to result in premature protein truncation.